The following is an entry in ClinVar:

NM_030777.4(SLC2A10):c.792T>C (p.His264=)

Gene: SLC2A10 (solute carrier family 2 member 10; plus strand). Cytogenetic location: 20q13.12.
Variant type: single nucleotide variant.
Coding change: c.792T>C on transcript NM_030777.4 (MANE Select); coding-DNA position 792, T replaced by C.
Protein change: p.His264=; no amino-acid change (histidine 264 retained).
Molecular consequence: synonymous variant.
Genome position (GRCh38, 1-based): chr20:46,725,828, T>C. VCF-style: chr20-46725828-T-C. GRCh37 (hg19) VCF-style: chr20-45354467-T-C.
Identifiers: ClinVar variation 391462 (VCV000391462.22), dbSNP rs377031320, ClinGen allele CA9892044.

ClinVar aggregate classification (germline): Likely benign. Review status: criteria provided, multiple submitters, no conflicts (2 of 4 stars). 7 submissions from 7 submitters: Likely benign (6). 1 of the submissions does not count toward it. Last evaluated 2025-12-08.

Conditions:
SLC2A10-related disorder. Also called: SLC2A10-related condition.
Arterial tortuosity syndrome (ATORS). Identifiers: Orphanet 3342, MedGen C1859726, MONDO:0008818, OMIM 208050.
Familial thoracic aortic aneurysm and aortic dissection (TAAD). Also called: Thoracic aortic aneurysms and dissections. Identifiers: Orphanet 91387, MedGen C4707243, MONDO:0019625.

Allele frequency attached by ClinVar (database versions not stated): TOPMed 0.00006; gnomAD 0.00007 and 0.00009; gnomAD exomes 0.00008 and 0.00016; ESP Exome Variant Server 0.00015; ExAC 0.00024.
gnomAD v4.1: 145 of 1,614,092 alleles (0.009%); highest among the groups gnomAD compares: Middle Eastern, 0.2%; no homozygotes.

Submissions (7):

Labcorp Genetics (formerly Invitae), Labcorp
Classification: Likely benign for Arterial tortuosity syndrome. Last evaluated: 2025-12-08. Review status: criteria provided, single submitter. Criteria: Invitae Variant Classification Sherloc (09022015). Collection method: clinical testing. Allele origin: germline.

Blueprint Genetics
Classification: Likely benign. Last evaluated: 2024-09-07. Review status: criteria provided, single submitter. Criteria: ACMG Guidelines, 2015. Collection method: clinical testing. Allele origin: germline.

Women's Health and Genetics/Laboratory Corporation of America, LabCorp
Classification: Likely benign. Last evaluated: 2022-01-22. Review status: criteria provided, single submitter. Criteria: LabCorp Variant Classification Summary - May 2015. Collection method: clinical testing. Allele origin: germline.

CHEO Genetics Diagnostic Laboratory, Children's Hospital of Eastern Ontario
Classification: Likely benign for Familial thoracic aortic aneurysm and aortic dissection. Last evaluated: 2021-08-12. Review status: criteria provided, single submitter. Criteria: ACMG Guidelines, 2015. Collection method: clinical testing. Allele origin: germline.

Ambry Genetics
Classification: Likely benign for Familial thoracic aortic aneurysm and aortic dissection. Last evaluated: 2017-01-03. Review status: criteria provided, single submitter. Criteria: Ambry Variant Classification Scheme 2023. Collection method: clinical testing. Allele origin: germline.

GeneDx
Classification: Likely benign. Last evaluated: 2016-12-21. Review status: criteria provided, single submitter. Criteria: GeneDx Variant Classification (06012015). Collection method: clinical testing. Allele origin: germline. Affected: yes.
Comment: This variant is considered likely benign or benign based on one or more of the following criteria: it is a conservative change, it occurs at a poorly conserved position in the protein, it is predicted to be benign by multiple in silico algorithms, and/or has population frequency not consistent with disease.

PreventionGenetics, part of Exact Sciences
Classification: Likely benign for SLC2A10-related condition. Last evaluated: 2019-03-21. Review status: no assertion criteria provided. Collection method: clinical testing. Allele origin: germline. Not counted in ClinVar's aggregate classification.
Comment: This variant is classified as likely benign based on ACMG/AMP sequence variant interpretation guidelines (Richards et al. 2015 PMID: 25741868, with internal and published modifications).